The following is an entry in ClinVar:

ClinVar aggregate classification (germline): Conflicting classifications of pathogenicity. Review status: criteria provided, conflicting classifications (1 of 4 stars). 3 submissions from 3 submitters: Uncertain significance (2); Likely benign (1). Last evaluated 2024-01-17.

Conditions:
Emery-Dreifuss muscular dystrophy 4, autosomal dominant (EDMD4). Also called: EMERY-DREIFUSS MUSCULAR DYSTROPHY 4 WITH VARIABLE FEATURES. Identifiers: Orphanet 261, MedGen C2751807, MONDO:0013071, OMIM 612998.
Autosomal recessive ataxia, Beauce type. Also called: SYNE1-Related Autosomal Recessive Cerebellar Ataxia; ATAXIA, RECESSIVE, OF BEAUCE; SYNE1 Deficiency; Spinocerebellar ataxia, autosomal recessive 8. Identifiers: Orphanet 88644, MedGen C1853116, MONDO:0012549, OMIM 610743.

gnomAD v4.1: 9 of 1,614,060 alleles (0.00056%); highest among the groups gnomAD compares: Middle Eastern, 0.12%; no homozygotes.

Submissions (3):

Revvity Omics, Revvity
Classification: Uncertain significance. Last evaluated: 2024-01-17. Review status: criteria provided, single submitter. Criteria: ACMG Guidelines, 2015. Collection method: clinical testing. Allele origin: germline.

Labcorp Genetics (formerly Invitae), Labcorp
Classification: Uncertain significance for Emery-Dreifuss muscular dystrophy 4, autosomal dominant; Autosomal recessive ataxia, Beauce type. Last evaluated: 2023-01-30. Review status: criteria provided, single submitter. Criteria: Invitae Variant Classification Sherloc (09022015). Collection method: clinical testing. Allele origin: germline.
Comment: In summary, the available evidence is currently insufficient to determine the role of this variant in disease. Therefore, it has been classified as a Variant of Uncertain Significance. Algorithms developed to predict the effect of missense changes on protein structure and function are either unavailable or do not agree on the potential impact of this missense change (SIFT: "Deleterious"; PolyPhen-2: "Benign"; Align-GVGD: "Class C0"). ClinVar contains an entry for this variant (Variation ID: 1379859). This variant has not been reported in the literature in individuals affected with SYNE1-related conditions. This variant is present in population databases (rs566004273, gnomAD 0.0009%). This sequence change replaces alanine, which is neutral and non-polar, with glycine, which is neutral and non-polar, at codon 1637 of the SYNE1 protein (p.Ala1637Gly).

CeGaT Center for Human Genetics Tuebingen
Classification: Likely benign. Last evaluated: 2022-03-01. Review status: criteria provided, single submitter. Criteria: CeGaT Center For Human Genetics Tuebingen Variant Classification Criteria Version 2. Collection method: clinical testing. Allele origin: germline. Affected: yes. Observed: 1 variant allele.
Comment: SYNE1: BP4

NM_182961.4(SYNE1):c.4889C>G (p.Ala1630Gly)

Gene: SYNE1 (spectrin repeat containing nuclear envelope protein 1; minus strand). Cytogenetic location: 6q25.2.
Variant type: single nucleotide variant.
Coding change: c.4889C>G on transcript NM_182961.4 (MANE Select); coding-DNA position 4889, C replaced by G.
Protein change: p.Ala1630Gly; replaces alanine 1630 with glycine.
Molecular consequence: missense variant.
Genome position (GRCh38, 1-based): chr6:152,428,292, G>C on the plus strand (C>G on the coding strand, the complement: SYNE1 is on the minus strand). VCF-style: chr6-152428292-G-C. GRCh37 (hg19) VCF-style: chr6-152749427-G-C.
Other names: c.4910C>G, p.Ala1637Gly (NM_033071.5); c.4910C>G (NM_033071.3); short protein forms A1630G, A1637G.
Identifiers: ClinVar variation 1379859 (VCV001379859.32), dbSNP rs566004273, ClinGen allele CA4058434.